The following is an entry in ClinVar:

ClinVar aggregate classification (germline): Likely benign (1 of 4 stars; one submission).

Allele frequency attached by ClinVar (database versions not stated): gnomAD exomes 0.00001; ESP Exome Variant Server 0.00008.
gnomAD v4.1: 7 of 1,613,422 alleles (0.00043%); highest among the groups gnomAD compares: Non-Finnish European, 0.00059%; no homozygotes.

Submission:

CeGaT Center for Human Genetics Tuebingen
Classification: Likely benign. Last evaluated: 2022-07-01. Review status: criteria provided, single submitter. Criteria: CeGaT Center For Human Genetics Tuebingen Variant Classification Criteria Version 2. Collection method: clinical testing. Allele origin: germline. Affected: yes. Observed: 1 variant allele.
Comment: PRSS36: BP4, BP7

NM_173502.5(PRSS36):c.1818G>A (p.Glu606=)

Gene: PRSS36 (serine protease 36; minus strand). Cytogenetic location: 16p11.2.
Variant type: single nucleotide variant.
Coding change: c.1818G>A on transcript NM_173502.5 (MANE Select); coding-DNA position 1818, G replaced by A.
Protein change: p.Glu606=; no amino-acid change (glutamic acid 606 retained).
Molecular consequence: synonymous variant.
Genome position (GRCh38, 1-based): chr16:31,141,552, C>T on the plus strand (G>A on the coding strand, the complement: PRSS36 is on the minus strand). VCF-style: chr16-31141552-C-T. GRCh37 (hg19) VCF-style: chr16-31152873-C-T.
Other names: c.1803G>A, p.Glu601= (NM_001258290.2); c.1818G>A, p.Glu606= (NM_001258291.2).
Identifiers: ClinVar variation 2646472 (VCV002646472.24), dbSNP rs145938370, ClinGen allele CA280593582.